The following is an entry in ClinVar:

NM_001085487.3(MYSM1):c.413G>A (p.Arg138Gln)

Gene: MYSM1 (Myb like, SWIRM and MPN domains 1; minus strand). Cytogenetic location: 1p32.1.
Variant type: single nucleotide variant.
Coding change: c.413G>A on transcript NM_001085487.3 (MANE Select); coding-DNA position 413, G replaced by A.
Protein change: p.Arg138Gln; replaces arginine 138 with glutamine.
Molecular consequence: missense variant.
Genome position (GRCh38, 1-based): chr1:58,685,238, C>T on the plus strand (G>A on the coding strand, the complement: MYSM1 is on the minus strand). VCF-style: chr1-58685238-C-T. GRCh37 (hg19) VCF-style: chr1-59150910-C-T.
Other names: c.413G>A (NM_001085487.2); short protein forms R138Q.
Identifiers: ClinVar variation 2711809 (VCV002711809.2), dbSNP rs770341254, ClinGen allele CA878021.

ClinVar aggregate classification (germline): Uncertain significance. Review status: criteria provided, multiple submitters, no conflicts (2 of 4 stars). 2 submissions from 2 submitters: Uncertain significance (2). Last evaluated 2024-03-07.

Conditions:
Inborn genetic diseases. Identifiers: MedGen C0950123, MeSH D030342.

Allele frequency attached by ClinVar (database versions not stated): gnomAD 0.00003; gnomAD exomes 0.00005; TOPMed 0.00006; ExAC 0.00007.
gnomAD v4.1: 78 of 1,605,582 alleles (0.0049%); highest among the groups gnomAD compares: South Asian, 0.048%; 1 homozygote.

Submissions (2):

Ambry Genetics
Classification: Uncertain significance for Inborn genetic diseases. Last evaluated: 2024-03-07. Review status: criteria provided, single submitter. Criteria: Ambry Variant Classification Scheme 2023. Collection method: clinical testing. Allele origin: germline.

Labcorp Genetics (formerly Invitae), Labcorp
Classification: Uncertain significance. Last evaluated: 2023-11-24. Review status: criteria provided, single submitter. Criteria: Invitae Variant Classification Sherloc (09022015). Collection method: clinical testing. Allele origin: germline.
Comment: This sequence change replaces arginine, which is basic and polar, with glutamine, which is neutral and polar, at codon 138 of the MYSM1 protein (p.Arg138Gln). This variant is present in population databases (rs770341254, gnomAD 0.05%). This variant has not been reported in the literature in individuals affected with MYSM1-related conditions. Advanced modeling of protein sequence and biophysical properties (such as structural, functional, and spatial information, amino acid conservation, physicochemical variation, residue mobility, and thermodynamic stability) performed at Invitae indicates that this missense variant is not expected to disrupt MYSM1 protein function with a negative predictive value of 80%. In summary, the available evidence is currently insufficient to determine the role of this variant in disease. Therefore, it has been classified as a Variant of Uncertain Significance.